The following is an entry in ClinVar:

ClinVar aggregate classification (germline): Pathogenic/Likely pathogenic. Review status: criteria provided, multiple submitters, no conflicts (2 of 4 stars). 4 submissions from 4 submitters: Pathogenic (1); Likely pathogenic (2). 1 of the submissions does not count toward it. Last evaluated 2025-10-06.

Conditions:
Glycine encephalopathy 1 (GCE1). Identifiers: MedGen CN376801, MONDO:0958179, OMIM 605899.
Glycine encephalopathy. Also called: Nonketotic hyperglycinemia; Non-ketotic hyperglycinemia. Identifiers: Orphanet 407, MedGen C0751748, MONDO:0011612, HP:0008288.

Allele frequency attached by ClinVar (database versions not stated): gnomAD exomes below 0.00001; gnomAD 0.00001; TOPMed 0.00001.
gnomAD v4.1: 4 of 1,613,018 alleles (0.00025%); highest among the groups gnomAD compares: African/African-American, 0.0013%; no homozygotes.

Submissions (4):

3billion
Classification: Likely pathogenic for Glycine encephalopathy 1. Last evaluated: 2025-10-06. Review status: criteria provided, single submitter. Criteria: ACMG Guidelines, 2015. Collection method: clinical testing. Allele origin: germline. Affected: yes.
Comment: The variant is observed at an extremely low frequency in the gnomAD v4.1.0 dataset (total allele frequency: <0.001%). Predicted Consequence/Location: Missense variant In silico tool predictions suggest damaging effect of the variant on gene or gene product [REVEL: 0.96 (>=0.6, sensitivity 0.68 and specificity 0.92); 3Cnet: 0.89 (> 0.75, sensitivity 0.96 and precision 0.92)]. The same nucleotide change resulting in the same amino acid change has been previously reported as pathogenic/likely pathogenic with strong evidence (ClinVar ID: VCV000554498). A different missense change at the same codon (p.Arg536Gln) has been reported as pathogenic/likely pathogenic with strong evidence (ClinVar ID: VCV001458071 /PMID: 25231368). Therefore, this variant is classified as Likely pathogenic according to the recommendation of ACMG/AMP guideline.

Women's Health and Genetics/Laboratory Corporation of America, LabCorp
Classification: Likely pathogenic for Glycine encephalopathy. Last evaluated: 2025-06-20. Review status: criteria provided, single submitter. Criteria: LabCorp Variant Classification Summary - May 2015. Collection method: clinical testing. Allele origin: germline.
Comment: Variant summary: GLDC c.1606C>T (p.Arg536Trp) results in a non-conservative amino acid change in the encoded protein sequence. Algorithms developed to predict the effect of missense changes on protein structure and function all suggest that this variant is likely to be disruptive. The variant allele was found at a frequency of 4e-06 in 251140 control chromosomes. c.1606C>T has been reported in the literature in a compound heterozygous individual affected with Glycine Encephalopathy (Non-Ketotic Hyperglycinemia) (Coughlin_2017). These data indicate that the variant may be associated with disease. A different variant affecting the same codon has been classified as likely pathogenic by our lab (c.1607G>A, p.Arg536Gln), supporting the critical relevance of codon 536 to GLDC protein function. To our knowledge, no experimental evidence demonstrating an impact on protein function has been reported. The following publication has been ascertained in the context of this evaluation (PMID: 27362913). ClinVar contains an entry for this variant (Variation ID: 554498). Based on the evidence outlined above, the variant was classified as likely pathogenic.

Labcorp Genetics (formerly Invitae), Labcorp
Classification: Pathogenic for Glycine encephalopathy. Last evaluated: 2024-01-22. Review status: criteria provided, single submitter. Criteria: Invitae Variant Classification Sherloc (09022015). Collection method: clinical testing. Allele origin: germline.
Comment: This sequence change replaces arginine, which is basic and polar, with tryptophan, which is neutral and slightly polar, at codon 536 of the GLDC protein (p.Arg536Trp). This variant is present in population databases (no rsID available, gnomAD 0.004%). This missense change has been observed in individual(s) with clinical features of nonketotic hyperglycinemia (PMID: 27362913). ClinVar contains an entry for this variant (Variation ID: 554498). Advanced modeling of protein sequence and biophysical properties (such as structural, functional, and spatial information, amino acid conservation, physicochemical variation, residue mobility, and thermodynamic stability) performed at Invitae indicates that this missense variant is expected to disrupt GLDC protein function with a positive predictive value of 80%. Algorithms developed to predict the effect of sequence changes on RNA splicing suggest that this variant may disrupt the consensus splice site. This variant disrupts the p.Arg536 amino acid residue in GLDC. Other variant(s) that disrupt this residue have been determined to be pathogenic (PMID: 25231368, 27362913). This suggests that this residue is clinically significant, and that variants that disrupt this residue are likely to be disease-causing. For these reasons, this variant has been classified as Pathogenic.

Counsyl
Classification: Uncertain significance for Glycine encephalopathy 1. Last evaluated: 2017-10-24. Review status: no assertion criteria provided. Collection method: clinical testing. Allele origin: unknown. Not counted in ClinVar's aggregate classification.

Literature cited by the submitters: PubMed 25231368 (cited by 3billion and Labcorp Genetics (formerly Invitae), Labcorp); PubMed 27362913 (cited by 3 submitters).

NM_000170.3(GLDC):c.1606C>T (p.Arg536Trp)

Gene: GLDC (glycine decarboxylase; minus strand). Cytogenetic location: 9p24.1.
Variant type: single nucleotide variant.
Coding change: c.1606C>T on transcript NM_000170.3 (MANE Select); coding-DNA position 1606, C replaced by T.
Protein change: p.Arg536Trp; replaces arginine 536 with tryptophan.
Molecular consequence: missense variant.
Genome position (GRCh38, 1-based): chr9:6,588,677, G>A on the plus strand (C>T on the coding strand, the complement: GLDC is on the minus strand). VCF-style: chr9-6588677-G-A. GRCh37 (hg19) VCF-style: chr9-6588677-G-A.
Other names: short protein forms R536W.
Identifiers: ClinVar variation 554498 (VCV000554498.14), dbSNP rs1286882965, ClinGen allele CA372892813.